The following is an entry in ClinVar:

ClinVar aggregate classification (germline): Uncertain significance (1 of 4 stars; one submission).

Conditions:
Hereditary cancer-predisposing syndrome. Also called: Hereditary Cancer Syndrome; Hereditary neoplastic syndrome; Neoplastic Syndromes, Hereditary; Tumor predisposition. Identifiers: Orphanet 140162, MedGen C0027672, MeSH D009386, MONDO:0015356.

Submission:

Ambry Genetics
Classification: Uncertain significance for Hereditary cancer-predisposing syndrome. Last evaluated: 2021-11-04. Review status: criteria provided, single submitter. Criteria: Ambry Variant Classification Scheme 2023. Collection method: clinical testing. Allele origin: germline.
Comment: The p.M449L variant (also known as c.1345A>T), located in coding exon 9 of the FH gene, results from an A to T substitution at nucleotide position 1345. The methionine at codon 449 is replaced by leucine, an amino acid with highly similar properties. This amino acid position is highly conserved in available vertebrate species. In addition, this alteration is predicted to be deleterious by in silico analysis. Since supporting evidence is limited at this time, the clinical significance of this alteration remains unclear.

NM_000143.4(FH):c.1345A>T (p.Met449Leu)

Gene: FH (fumarate hydratase; minus strand). Cytogenetic location: 1q43.
Variant type: single nucleotide variant.
Coding change: c.1345A>T on transcript NM_000143.4 (MANE Select); coding-DNA position 1345, A replaced by T.
Protein change: p.Met449Leu; replaces methionine 449 with leucine.
Molecular consequence: missense variant.
Genome position (GRCh38, 1-based): chr1:241,500,482, T>A on the plus strand (A>T on the coding strand, the complement: FH is on the minus strand). VCF-style: chr1-241500482-T-A. GRCh37 (hg19) VCF-style: chr1-241663782-T-A.
Other names: short protein forms M449L.
Identifiers: ClinVar variation 1770453 (VCV001770453.2), dbSNP rs199664825, ClinGen allele CA345436477.